The following is an entry in ClinVar:

ClinVar aggregate classification (germline): Pathogenic (1 of 4 stars; one submission).

Conditions:
Inborn genetic diseases. Identifiers: MedGen C0950123, MeSH D030342.

Submission:

Ambry Genetics
Classification: Pathogenic for Inborn genetic diseases. Last evaluated: 2025-03-14. Review status: criteria provided, single submitter. Criteria: Ambry Variant Classification Scheme 2023. Collection method: clinical testing. Allele origin: germline.
Comment: The c.1339delG (p.A447Qfs*5) alteration, located in exon 14 (coding exon 13) of the STAG1 gene, consists of a deletion of one nucleotide at position 1339, causing a translational frameshift with a predicted alternate stop codon after 5 amino acids. This alteration is expected to result in loss of function by premature protein truncation or nonsense-mediated mRNA decay. This variant was not reported in population-based cohorts in the Genome Aggregation Database (gnomAD). Based on the available evidence, this alteration is classified as pathogenic.

NM_005862.3(STAG1):c.1339del (p.Ala447fs)

Gene: STAG1 (STAG1 cohesin complex component; minus strand). Cytogenetic location: 3q22.3.
Variant type: Deletion.
Coding change: c.1339del on transcript NM_005862.3 (MANE Select); coding-DNA position 1339, one base deleted (G; older notation c.1339delG).
Protein change: p.Ala447fs; shifts the reading frame from alanine 447.
Molecular consequence: frameshift variant.
Genome position (GRCh38, 1-based): chr3:136,452,122, C deleted on the plus strand (G on the coding strand, the reverse complement: STAG1 is on the minus strand). VCF-style (leftmost placement, unchanged base first): chr3-136452121-GC-G. GRCh37 (hg19) VCF-style: chr3-136170963-GC-G.
Other names: short protein forms A447fs.
Identifiers: ClinVar variation 3802102 (VCV003802102.1).